The following is an entry in ClinVar:

NM_005565.5(LCP2):c.928C>T (p.His310Tyr)

Gene: LCP2 (lymphocyte cytosolic protein 2; minus strand). Cytogenetic location: 5q35.1.
Variant type: single nucleotide variant.
Coding change: c.928C>T on transcript NM_005565.5 (MANE Select); coding-DNA position 928, C replaced by T.
Protein change: p.His310Tyr; replaces histidine 310 with tyrosine.
Molecular consequence: missense variant.
Genome position (GRCh38, 1-based): chr5:170,261,136, G>A on the plus strand (C>T on the coding strand, the complement: LCP2 is on the minus strand). VCF-style: chr5-170261136-G-A. GRCh37 (hg19) VCF-style: chr5-169688140-G-A.
Other names: short protein forms H310Y.
Identifiers: ClinVar variation 2691314 (VCV002691314.1), dbSNP rs200367246, ClinGen allele CA362114109.

ClinVar aggregate classification (germline): Uncertain significance (1 of 4 stars; one submission).

gnomAD v4.1: 2 of 1,601,782 alleles (0.00012%); highest among the groups gnomAD compares: Admixed American, 0.0017%; no homozygotes.

Submission:

Women's Health and Genetics/Laboratory Corporation of America, LabCorp
Classification: Uncertain significance. Last evaluated: 2023-12-18. Review status: criteria provided, single submitter. Criteria: LabCorp Variant Classification Summary - May 2015. Collection method: clinical testing. Allele origin: germline.
Comment: Variant summary: LCP2 c.928C>T (p.His310Tyr) results in a conservative amino acid change in the second nucleotide of exon 14 in the encoded protein sequence adjacent to the exon 14 / intron 13 splice acceptor site. Four of five in-silico tools predict a benign effect of the variant on protein function. Consensus agreement among computation tools predict no significant impact on normal splicing. However, these predictions have yet to be confirmed by functional studies. The variant was absent in 247294 control chromosomes. The available data on variant occurrences in the general population are insufficient to allow any conclusion about variant significance. To our knowledge, no occurrence of c.928C>T in individuals affected with Immunodeficiency 81 and no experimental evidence demonstrating its impact on protein function have been reported. No submitters have cited clinical-significance assessments for this variant to ClinVar after 2014. Based on the evidence outlined above, the variant was classified as uncertain significance.